The following is an entry in ClinVar:

ClinVar aggregate classification (germline): Uncertain significance (1 of 4 stars; one submission).

Conditions:
Hereditary cancer-predisposing syndrome. Also called: Neoplastic Syndromes, Hereditary; Tumor predisposition; Hereditary Cancer Syndrome; Hereditary neoplastic syndrome. Identifiers: Orphanet 140162, MedGen C0027672, MeSH D009386, MONDO:0015356.

Submission:

Color Diagnostics, LLC DBA Color Health
Classification: Uncertain significance for Hereditary cancer-predisposing syndrome. Last evaluated: 2022-11-07. Review status: criteria provided, single submitter. Criteria: ACMG Guidelines, 2015. Collection method: clinical testing. Allele origin: germline.
Comment: This missense variant replaces aspartic acid with histidine at codon 1512 of the APC protein. Computational prediction suggests that this variant may not impact protein structure and function (internally defined REVEL score threshold <= 0.5, PMID: 27666373). To our knowledge, functional studies have not been reported for this variant. This variant has not been reported in individuals affected with APC-related disorders in the literature. This variant has not been identified in the general population by the Genome Aggregation Database (gnomAD). The available evidence is insufficient to determine the role of this variant in disease conclusively. Therefore, this variant is classified as a Variant of Uncertain Significance.

NM_000038.6(APC):c.4534G>C (p.Asp1512His)

Gene: APC (APC regulator of Wnt signaling pathway; plus strand). Cytogenetic location: 5q22.2.
Variant type: single nucleotide variant.
Coding change: c.4534G>C on transcript NM_000038.6 (MANE Select); coding-DNA position 4534, G replaced by C.
Protein change: p.Asp1512His; replaces aspartic acid 1512 with histidine.
Molecular consequence: missense variant. On other transcripts: non-coding transcript variant (2).
Genome position (GRCh38, 1-based): chr5:112,840,128, G>C. VCF-style: chr5-112840128-G-C. GRCh37 (hg19) VCF-style: chr5-112175825-G-C.
Other names: c.4588G>C, p.Asp1530His (NM_001407448.1, NM_001407449.1, NM_001354896.2 and 1 more transcripts); c.4534G>C, p.Asp1512His (NM_001407450.1, NM_001127510.3, NM_001354895.2); c.4513G>C, p.Asp1505His (NM_001407451.1); c.4504G>C, p.Asp1502His (NM_001407452.1); c.4357G>C, p.Asp1453His (NM_001407453.1, NM_001354901.2); c.4285G>C, p.Asp1429His (NM_001407454.1, NM_001407457.1, NM_001407455.1 and 1 more transcripts); c.4231G>C, p.Asp1411His (NM_001407458.1, NM_001407459.1, NM_001354903.2 and 1 more transcripts); c.4480G>C, p.Asp1494His (NM_001127511.3); and 11 more; short protein forms D1352H, D1383H, D1386H, D1453H, D1411H, D1429H, D1471H, D1502H.
Identifiers: ClinVar variation 2775040 (VCV002775040.2), dbSNP rs778699501, ClinGen allele CA16031249.